The following is an entry in ClinVar:

NM_001330260.2(SCN8A):c.1635+67G>A

Gene: SCN8A (sodium voltage-gated channel alpha subunit 8; plus strand). Cytogenetic location: 12q13.13.
Variant type: single nucleotide variant.
Coding change: c.1635+67G>A on transcript NM_001330260.2 (MANE Select); 67 bases into the intron after coding-DNA position 1635, G replaced by A.
Molecular consequence: intron variant.
Genome position (GRCh38, 1-based): chr12:51,706,782, G>A. VCF-style: chr12-51706782-G-A. GRCh37 (hg19) VCF-style: chr12-52100566-G-A.
Other names: c.1635+67G>A (NM_014191.4, NM_001177984.3, NM_001369788.1).
Identifiers: ClinVar variation 1258183 (VCV001258183.5), dbSNP rs10783474, ClinGen allele CA15736444.

ClinVar aggregate classification (germline): Benign. Review status: criteria provided, multiple submitters, no conflicts (2 of 4 stars). 3 submissions from 3 submitters: Benign (3). Last evaluated 2024-07-31.

Allele frequency attached by ClinVar (database versions not stated): 1000 Genomes Project 30x 0.72408; 1000 Genomes Project 0.73103; TOPMed 0.78371; gnomAD exomes 0.85016.
gnomAD v4.1: 901,663 of 1,072,580 alleles (84%); highest among the groups gnomAD compares: East Asian, 91%; 384,067 homozygotes.

Submissions (3):

Unidad de Genómica Garrahan, Hospital de Pediatría Garrahan
Classification: Benign. Last evaluated: 2024-07-31. Review status: criteria provided, single submitter. Criteria: ACMG Guidelines, 2015. Collection method: clinical testing. Allele origin: germline. Affected: no. Observed: 53 variant alleles.
Comment: This variant is classified as Benign based on local population frequency. This variant was detected in 57% of patients studied in a panel designed for Epileptic and Developmental Encephalopathy, Progressive Myoclonus Epilepsy and Abnormal Movements and Neurodegeneration with brain iron accumulation. Number of patients: 53. Only high quality variants are reported.

GeneDx
Classification: Benign. Last evaluated: 2018-06-25. Review status: criteria provided, single submitter. Criteria: GeneDx Variant Classification Process June 2021. Collection method: clinical testing. Allele origin: germline. Affected: yes.

Breakthrough Genomics
Classification: Benign. Review status: criteria provided, single submitter. Criteria: ACMG Guidelines, 2015. Collection method: not provided. Allele origin: germline. Inheritance: Autosomal dominant inheritance. Affected: yes.